The following is an entry in ClinVar:

ClinVar aggregate classification (germline): Uncertain significance (1 of 4 stars; one submission).

gnomAD v4.1: 1 of 1,601,048 alleles (0.000062%); highest among the groups gnomAD compares: Non-Finnish European, 0.000085%; no homozygotes.

Submission:

GeneDx
Classification: Uncertain significance. Last evaluated: 2025-07-10. Review status: criteria provided, single submitter. Criteria: GeneDx Variant Classification Process June 2021. Collection method: clinical testing. Allele origin: germline. Affected: yes.
Comment: Not observed at significant frequency in large population cohorts (gnomAD); Intronic +5 splice site variant in a gene for which loss of function is a known mechanism of disease, and both splice predictors and evolutionary conservation support a deleterious effect, although in the absence of functional evidence the actual effect of this sequence change is unknown.; Has not been previously published as pathogenic or benign to our knowledge

NM_001080517.3(SETD5):c.1524+5G>C

Gene: SETD5 (SET domain containing 5; plus strand). Cytogenetic location: 3p25.3.
Variant type: single nucleotide variant.
Coding change: c.1524+5G>C on transcript NM_001080517.3 (MANE Select); 5 bases into the intron after coding-DNA position 1524, G replaced by C.
Molecular consequence: intron variant.
Genome position (GRCh38, 1-based): chr3:9,445,745, G>C. VCF-style: chr3-9445745-G-C. GRCh37 (hg19) VCF-style: chr3-9487429-G-C.
Other names: c.1524+5G>C (NM_001437643.1); c.1230+5G>C (NM_001349451.2, NM_001292043.2); c.1620+5G>C (NM_001437633.1); c.1581+5G>C (NM_001437635.1); c.1563+5G>C (NM_001437701.1).
Identifiers: ClinVar variation 4685399 (VCV004685399.1).
Genomic context (GRCh38, chr3:9,445,745, plus strand): 5'-AAGAAGAGAAAGAAGAGGTTATAGATGACCAGGAGAACCTAGCTCATAGCAGGAGGGTGA[G>C]TACTGTCTGACATTACTTTGCTCCTTCTCATTCCTGCTACCTCCATCATGTGAACCTCTT-3'